The following is an entry in ClinVar:

NM_014797.3(ZBTB24):c.1125_1135del (p.Gln375fs)

Gene: ZBTB24 (zinc finger and BTB domain containing 24; minus strand). Cytogenetic location: 6q21.
Variant type: Deletion.
Coding change: c.1125_1135del on transcript NM_014797.3 (MANE Select); coding-DNA positions 1125 to 1135, 11 bases deleted (GAAGTCTTTTA).
Protein change: p.Gln375fs; shifts the reading frame from glutamine 375.
Molecular consequence: frameshift variant.
Genome position (GRCh38, 1-based): chr6:109,476,244-109,476,254, TAAAAGACTTC deleted on the plus strand (GAAGTCTTTTA on the coding strand, the reverse complement: ZBTB24 is on the minus strand); deleting any 11 consecutive bases within chr6:109,476,244-109,476,255 gives the same sequence; the c. name uses the placement nearest the transcript's 3' end. VCF-style (leftmost placement, unchanged base first): chr6-109476243-GTAAAAGACTTC-G. GRCh37 (hg19) VCF-style: chr6-109797446-GTAAAAGACTTC-G.
Other names: short protein forms Q375fs.
Identifiers: ClinVar variation 2750593 (VCV002750593.3), dbSNP rs2482870919, ClinGen allele CA2697553635.

ClinVar aggregate classification (germline): Pathogenic (1 of 4 stars; one submission).

Conditions:
Immunodeficiency-centromeric instability-facial anomalies syndrome 2 (ICF2). Identifiers: Orphanet 2268, MedGen C3279748, MONDO:0013553, OMIM 614069.

Submission:

Labcorp Genetics (formerly Invitae), Labcorp
Classification: Pathogenic for Immunodeficiency-centromeric instability-facial anomalies syndrome 2. Last evaluated: 2023-08-08. Review status: criteria provided, single submitter. Criteria: Invitae Variant Classification Sherloc (09022015). Collection method: clinical testing. Allele origin: germline.
Comment: Algorithms developed to predict the effect of sequence changes on RNA splicing suggest that this variant may disrupt the consensus splice site. For these reasons, this variant has been classified as Pathogenic. This variant has not been reported in the literature in individuals affected with ZBTB24-related conditions. This variant is not present in population databases (gnomAD no frequency). This sequence change creates a premature translational stop signal (p.Gln375Hisfs*3) in the ZBTB24 gene. It is expected to result in an absent or disrupted protein product. Loss-of-function variants in ZBTB24 are known to be pathogenic (PMID: 21596365).

Literature cited by the submitters: PubMed 21596365.